The following is an entry in ClinVar:

NM_025114.4(CEP290):c.6961-1G>A

Gene: CEP290 (centrosomal protein 290; minus strand). Cytogenetic location: 12q21.32.
Variant type: single nucleotide variant.
Coding change: c.6961-1G>A on transcript NM_025114.4 (MANE Select); the canonical splice acceptor site of the intron before coding-DNA position 6961, G replaced by A.
Molecular consequence: splice acceptor variant.
Genome position (GRCh38, 1-based): chr12:88,054,414, C>T on the plus strand (G>A on the coding strand, the complement: CEP290 is on the minus strand). VCF-style: chr12-88054414-C-T. GRCh37 (hg19) VCF-style: chr12-88448191-C-T.
Identifiers: ClinVar variation 5004836 (VCV005004836.1).

ClinVar aggregate classification (germline): Likely pathogenic (1 of 4 stars; one submission).

Conditions:
CEP290-related ciliopathy. Also called: CEP290 ciliopathy. Identifiers: MedGen CN305601, MONDO:0100451.

Submission:

Myriad Genetics, Inc.
Classification: Likely pathogenic for CEP290-related ciliopathy. Last evaluated: 2026-08-10. Review status: criteria provided, single submitter. Criteria: Myriad Autosomal Dominant, Autosomal Recessive and X-Linked Classification Criteria (2023). Collection method: clinical testing. Allele origin: unknown.
Comment: NM_025114.3(CEP290):c.6961-1G>A is a variant in a canonical splice site classified as likely pathogenic in the context of CEP290-related disorders. c.6961-1G>A has not been observed in cases with relevant disease. Relevant functional assessments of this variant are not available in the literature. c.6961-1G>A has not been observed in referenced population frequency databases. In summary, NM_025114.3(CEP290):c.6961-1G>A is a variant in a canonical splice site in a gene where loss of function is a known mechanism of disease and is predicted to disrupt protein function. Please note: this variant was assessed in the context of healthy population screening.